The following is an entry in ClinVar:

NM_000814.6(GABRB3):c.1216_1217del (p.Ser406fs)

Gene: GABRB3 (gamma-aminobutyric acid type A receptor subunit beta3; minus strand). Cytogenetic location: 15q12.
Variant type: Microsatellite.
Coding change: c.1216_1217del on transcript NM_000814.6 (MANE Select); coding-DNA positions 1216 to 1217, 2 bases deleted (AG; older notation c.1216_1217delAG).
Protein change: p.Ser406fs; shifts the reading frame from serine 406.
Molecular consequence: frameshift variant.
Genome position (GRCh38, 1-based): chr15:26,547,998-26,547,999, CT deleted on the plus strand (AG on the coding strand, the reverse complement: GABRB3 is on the minus strand); deleting any 2 consecutive bases within chr15:26,547,998-26,548,001 gives the same sequence; the c. name uses the placement nearest the transcript's 3' end. VCF-style (leftmost placement, unchanged base first): chr15-26547997-GCT-G. GRCh37 (hg19) VCF-style: chr15-26793144-GCT-G.
Other names: c.1216_1217del, p.Ser406fs (NM_021912.5); c.961_962del, p.Ser321fs (NM_001191320.2, NM_001278631.2); c.1003_1004del, p.Ser335fs (NM_001191321.3); short protein forms S321fs, S335fs, S406fs.
Identifiers: ClinVar variation 2952192 (VCV002952192.3), dbSNP rs2504114761, ClinGen allele CA2740097230.
Genomic context (GRCh38, chr15:26,547,997, plus strand): 5'-GGTCTTCTTGTGCGGGAGGCTTCTGTCCCCCAGGAATCGCCCATGCCCTTCTCGAGGCAT[GCT>G]CTGTTTCCTGTACTGGATTCCTGAGTTGTCAAAGGATATTGCTGAATTCCTGGTATCGCC-3'

ClinVar aggregate classification (germline): Uncertain significance (1 of 4 stars; one submission).

Conditions:
Epilepsy, childhood absence, susceptibility to, 1. Also called: Epilepsy, childhood absence 1. Identifiers: Orphanet 64280, MedGen C1838604, MONDO:0020759, OMIM 600131.
Epilepsy, childhood absence, susceptibility to, 5. Identifiers: Orphanet 64280, MedGen C2677087, MONDO:0012843, OMIM 612269.

Submission:

Labcorp Genetics (formerly Invitae), Labcorp
Classification: Uncertain significance for Epilepsy, childhood absence, susceptibility to, 5; Epilepsy, childhood absence, susceptibility to, 1. Last evaluated: 2023-09-22. Review status: criteria provided, single submitter. Criteria: Invitae Variant Classification Sherloc (09022015). Collection method: clinical testing. Allele origin: germline.
Comment: This sequence change creates a premature translational stop signal (p.Ser406Hisfs*32) in the GABRB3 gene. While this is not anticipated to result in nonsense mediated decay, it is expected to disrupt the last 68 amino acid(s) of the GABRB3 protein. This variant is not present in population databases (gnomAD no frequency). This variant has not been reported in the literature in individuals affected with GABRB3-related conditions. Experimental studies and prediction algorithms are not available or were not evaluated, and the functional significance of this variant is currently unknown. In summary, the available evidence is currently insufficient to determine the role of this variant in disease. Therefore, it has been classified as a Variant of Uncertain Significance.